The following is an entry in ClinVar:

ClinVar aggregate classification (germline): Uncertain significance (1 of 4 stars; one submission).

Conditions:
RASopathy. Also called: Noonan spectrum disorder; rasopathies. Identifiers: Orphanet 536391, MedGen C5555857, MONDO:0021060.

Allele frequency attached by ClinVar (database versions not stated): gnomAD exomes below 0.00001; gnomAD 0.00001.
gnomAD v4.1: 7 of 1,614,186 alleles (0.00043%); highest among the groups gnomAD compares: African/African-American, 0.004%; no homozygotes.

Submission:

Labcorp Genetics (formerly Invitae), Labcorp
Classification: Uncertain significance for RASopathy. Last evaluated: 2025-11-04. Review status: criteria provided, single submitter. Criteria: Invitae Variant Classification Sherloc (09022015). Collection method: clinical testing. Allele origin: germline.
Comment: This sequence change falls in intron 8 of the RAF1 gene. It does not directly change the encoded amino acid sequence of the RAF1 protein. It affects a nucleotide within the consensus splice site. This variant is not present in population databases (gnomAD no frequency). This variant has not been reported in the literature in individuals affected with RAF1-related conditions. ClinVar contains an entry for this variant (Variation ID: 3013525). Variants that disrupt the consensus splice site are a relatively common cause of aberrant splicing (PMID: 17576681, 9536098). Algorithms developed to predict the effect of sequence changes on RNA splicing suggest that this variant is not likely to affect RNA splicing. In summary, the available evidence is currently insufficient to determine the role of this variant in disease. Therefore, it has been classified as a Variant of Uncertain Significance.

Literature cited by the submitters: PubMed 17576681; PubMed 9536098.

NM_002880.4(RAF1):c.862+4C>A

Gene: RAF1 (Raf-1 proto-oncogene, serine/threonine kinase; minus strand). Cytogenetic location: 3p25.2.
Variant type: single nucleotide variant.
Coding change: c.862+4C>A on transcript NM_002880.4 (MANE Select); 4 bases into the intron after coding-DNA position 862, C replaced by A.
Molecular consequence: intron variant.
Genome position (GRCh38, 1-based): chr3:12,600,384, G>T on the plus strand (C>A on the coding strand, the complement: RAF1 is on the minus strand). VCF-style: chr3-12600384-G-T. GRCh37 (hg19) VCF-style: chr3-12641883-G-T.
Other names: c.520+4C>A (NM_001354695.3); c.619+4C>A (NM_001354692.3, NM_001354691.3); c.679+4C>A (NM_001354694.3); c.763+4C>A (NM_001354693.3); c.922+4C>A (NM_001354689.3); c.862+4C>A (NM_001354690.3).
Identifiers: ClinVar variation 3013525 (VCV003013525.3), dbSNP rs527784912, ClinGen allele CA69617046.
Genomic context (GRCh38, chr3:12,600,384, plus strand): 5'-AGAAGATACACCGCATAAAGAAAAAAAGCCCATTATTGTTGGCTAAATGACTATGGAAAA[G>T]TACCTGATTCGCTGTGACTTCGAATTGCATCCTGAAACAGAAAAGGAAAGCTGGTCAACT-3'